The following is an entry in ClinVar:

NM_006979.3(SLC39A7):c.907C>A (p.Pro303Thr)

Gene: SLC39A7 (solute carrier family 39 member 7; plus strand). Cytogenetic location: 6p21.32.
Variant type: single nucleotide variant.
Coding change: c.907C>A on transcript NM_006979.3 (MANE Select); coding-DNA position 907, C replaced by A.
Protein change: p.Pro303Thr; replaces proline 303 with threonine.
Molecular consequence: missense variant.
Genome position (GRCh38, 1-based): chr6:33,202,667, C>A. VCF-style: chr6-33202667-C-A. GRCh37 (hg19) VCF-style: chr6-33170444-C-A.
Other names: c.907C>A, p.Pro303Thr (NM_001077516.2); c.532C>A, p.Pro178Thr (NM_001288777.2); c.907C>A (NM_006979.2); short protein forms P178T, P303T.
Identifiers: ClinVar variation 2364075 (VCV002364075.7), dbSNP rs1394229207, ClinGen allele CA363643905.
Genomic context (GRCh38, chr6:33,202,667, plus strand): 5'-ACAAGAGGGGTTCAGAAGAGGCGAGGAGGGAGCACAGTACCCAAAGATGGGCCAGTGAGA[C>A]CTCAGAACGCTGAAGAAGAAAAAAGAGGCTTAGGTAAGGGCCAGAGTTGGTGATAAATTT-3'
Protein context (NP_008910.2, residues 293-313): STVPKDGPVR[Pro303Thr]QNAEEEKRGL

ClinVar aggregate classification (germline): Uncertain significance. Review status: criteria provided, multiple submitters, no conflicts (2 of 4 stars). 2 submissions from 2 submitters: Uncertain significance (2). Last evaluated 2022-07-27.

Allele frequency attached by ClinVar (database versions not stated): gnomAD exomes below 0.00001; gnomAD 0.00001; TOPMed 0.00001.
gnomAD v4.1: 3 of 1,604,356 alleles (0.00019%); highest among the groups gnomAD compares: Admixed American, 0.0052%; no homozygotes.

Submissions (2):

Labcorp Genetics (formerly Invitae), Labcorp
Classification: Uncertain significance. Last evaluated: 2022-07-27. Review status: criteria provided, single submitter. Criteria: Invitae Variant Classification Sherloc (09022015). Collection method: clinical testing. Allele origin: germline.
Comment: Algorithms developed to predict the effect of missense changes on protein structure and function (SIFT, PolyPhen-2, Align-GVGD) all suggest that this variant is likely to be tolerated. This variant has not been reported in the literature in individuals affected with SLC39A7-related conditions. This variant is present in population databases (no rsID available, gnomAD 0.006%). This sequence change replaces proline, which is neutral and non-polar, with threonine, which is neutral and polar, at codon 303 of the SLC39A7 protein (p.Pro303Thr). In summary, the available evidence is currently insufficient to determine the role of this variant in disease. Therefore, it has been classified as a Variant of Uncertain Significance.

Ambry Genetics
Classification: Uncertain significance. Last evaluated: 2022-07-12. Review status: criteria provided, single submitter. Criteria: Ambry Variant Classification Scheme 2023. Collection method: clinical testing. Allele origin: germline.